The following is an entry in ClinVar:

ClinVar aggregate classification (germline): Pathogenic (1 of 4 stars; one submission).

Conditions:
Combined immunodeficiency due to DOCK8 deficiency (HIES2). Also called: HYPER-IgE RECURRENT INFECTION SYNDROME 2, AUTOSOMAL RECESSIVE; HIES autosomal recessive; Hyper-IgE recurrent infection syndrome, autosomal recessive; HYPER-IgE SYNDROME 2, AUTOSOMAL RECESSIVE, WITH RECURRENT INFECTIONS; DOCK8 Deficiency. Identifiers: Orphanet 217390, MedGen C4722305, MONDO:0009478, OMIM 243700.

Submission:

Labcorp Genetics (formerly Invitae), Labcorp
Classification: Pathogenic for Combined immunodeficiency due to DOCK8 deficiency. Last evaluated: 2025-08-04. Review status: criteria provided, single submitter. Criteria: Invitae Variant Classification Sherloc (09022015). Collection method: clinical testing. Allele origin: germline.
Comment: This sequence change creates a premature translational stop signal (p.Ser936Leufs*7) in the DOCK8 gene. It is expected to result in an absent or disrupted protein product. Loss-of-function variants in DOCK8 are known to be pathogenic (PMID: 14722525, 19776401). This variant is present in population databases (rs765363212, gnomAD no frequency). This variant has not been reported in the literature in individuals affected with DOCK8-related conditions. For these reasons, this variant has been classified as Pathogenic.

Literature cited by the submitters: PubMed 14722525; PubMed 19776401.

NM_203447.4(DOCK8):c.2807_2808del (p.Ser936fs)

Gene: DOCK8 (dedicator of cytokinesis 8; plus strand). Cytogenetic location: 9p24.3.
Variant type: Deletion.
Coding change: c.2807_2808del on transcript NM_203447.4 (MANE Select); coding-DNA positions 2807 to 2808, 2 bases deleted (CT; older notation c.2807_2808delCT).
Protein change: p.Ser936fs; shifts the reading frame from serine 936.
Molecular consequence: frameshift variant. On other transcripts: intron variant (1).
Genome position (GRCh38, 1-based): chr9:386,359-386,360, CT deleted; deleting any 2 consecutive bases within chr9:386,358-386,360 gives the same sequence; the c. name uses the placement nearest the transcript's 3' end. VCF-style (leftmost placement, unchanged base first): chr9-386357-GTC-G. GRCh37 (hg19) VCF-style: chr9-386357-GTC-G.
Other names: c.2603_2604del, p.Ser868fs (NM_001193536.2); c.2574+3674_2574+3675del (NM_001190458.2); short protein forms S868fs, S936fs.
Identifiers: ClinVar variation 4724232 (VCV004724232.1).
Genomic context (GRCh38, chr9:386,357, plus strand): 5'-GGTTGACTGTTAAGCCATGGTTTGTGTATTTTAGATCGCCGATCGCAACTGCAGCCGAAT[GTC>G]TTACTATTGCTCTGGCAGTAGTGATGCTCCAAGTTCACCTGCAGCCCCAAGGCCAGCCAG-3'